The following is an entry in ClinVar:

ClinVar aggregate classification (germline): Uncertain significance (1 of 4 stars; one submission).

Conditions:
TAF4-related condition.

Submission:

PreventionGenetics, part of Exact Sciences
Classification: Uncertain significance for TAF4-related condition. Last evaluated: 2026-01-02. Review status: criteria provided, single submitter. Criteria: ACMG Guidelines, 2015. Collection method: clinical testing. Allele origin: germline.
Comment: The TAF4 c.718_741del24 variant is predicted to result in an in-frame deletion (p.Thr240_Ala247del). To our knowledge, this variant has not been reported in the literature or in a large population database (gnomAD), indicating this variant is rare. At this time, the clinical significance of this variant is uncertain due to the absence of conclusive functional and genetic evidence.

NM_003185.4(TAF4):c.718_741del (p.Thr240_Ala247del)

Gene: TAF4 (TATA-box binding protein associated factor 4; minus strand). Cytogenetic location: 20q13.33.
Variant type: Deletion.
Coding change: c.718_741del on transcript NM_003185.4 (MANE Select); coding-DNA positions 718 to 741, 24 bases deleted (ACGCCCCCCTTCGTGGGCGCCGCC).
Protein change: p.Thr240_Ala247del.
Molecular consequence: inframe deletion.
Genome position (GRCh38, 1-based): chr20:62,065,070-62,065,093, GGCGGCGCCCACGAAGGGGGGCGT deleted on the plus strand (ACGCCCCCCTTCGTGGGCGCCGCC on the coding strand, the reverse complement: TAF4 is on the minus strand). VCF-style (leftmost placement, unchanged base first): chr20-62065069-CGGCGGCGCCCACGAAGGGGGGCGT-C. GRCh37 (hg19) VCF-style: chr20-60640125-CGGCGGCGCCCACGAAGGGGGGCGT-C.
Identifiers: ClinVar variation 4995461 (VCV004995461.1).
Genomic context (GRCh38, chr20:62,065,069, plus strand): 5'-CGGCGGGGGCGGCGGGCGCGGGGGCGGCGGGGGGCGAGGGCGCGGCGGGCGCGGGGGGCG[CGGCGGCGCCCACGAAGGGGGGCGT>C]CTGGATGACAGTGCCGGGGGCGGCGGGCTTGGGCAGCGGCAGCAGCGCGGCGGGCCCGTT-3'